The following is an entry in ClinVar:

NM_153240.5(NPHP3):c.3229G>A (p.Ala1077Thr)

Genes: NPHP3 (nephrocystin 3; minus strand), NPHP3-ACAD11 (NPHP3-ACAD11 readthrough (NMD candidate); minus strand). Cytogenetic location: 3q22.1.
Variant type: single nucleotide variant.
Coding change: c.3229G>A on transcript NM_153240.5 (MANE Select); coding-DNA position 3229, G replaced by A.
Protein change: p.Ala1077Thr; replaces alanine 1077 with threonine.
Molecular consequence: missense variant. On other transcripts: non-coding transcript variant (1).
Genome position (GRCh38, 1-based): chr3:132,686,360, C>T on the plus strand (G>A on the coding strand, the complement: NPHP3 is on the minus strand). VCF-style: chr3-132686360-C-T. GRCh37 (hg19) VCF-style: chr3-132405204-C-T.
Other names: short protein forms A1077T.
Identifiers: ClinVar variation 1363058 (VCV001363058.5), dbSNP rs753978185, ClinGen allele CA2621794.

ClinVar aggregate classification (germline): Uncertain significance (1 of 4 stars; one submission).

Conditions:
Nephronophthisis. Also called: Juvenile Nephronophthisis. Identifiers: Orphanet 655, MedGen C0687120, MONDO:0019005, HP:0000090.

Allele frequency attached by ClinVar (database versions not stated): gnomAD exomes below 0.00001; ExAC 0.00001.
gnomAD v4.1: 1 of 1,614,056 alleles (0.000062%); highest among the groups gnomAD compares: Non-Finnish European, 0.000085%; no homozygotes.

Submission:

Labcorp Genetics (formerly Invitae), Labcorp
Classification: Uncertain significance for Nephronophthisis. Last evaluated: 2022-03-10. Review status: criteria provided, single submitter. Criteria: Invitae Variant Classification Sherloc (09022015). Collection method: clinical testing. Allele origin: germline.
Comment: This sequence change replaces alanine, which is neutral and non-polar, with threonine, which is neutral and polar, at codon 1077 of the NPHP3 protein (p.Ala1077Thr). This variant is present in population databases (rs753978185, gnomAD 0.0009%). This variant has not been reported in the literature in individuals affected with NPHP3-related conditions. Algorithms developed to predict the effect of missense changes on protein structure and function are either unavailable or do not agree on the potential impact of this missense change (SIFT: "Deleterious"; PolyPhen-2: "Benign"; Align-GVGD: "Class C0"). In summary, the available evidence is currently insufficient to determine the role of this variant in disease. Therefore, it has been classified as a Variant of Uncertain Significance.